The following is an entry in ClinVar:

NM_001491.3(GCNT2):c.687T>C (p.Tyr229=)

Gene: GCNT2 (glucosaminyl (N-acetyl) transferase 2 (I blood group); plus strand). Cytogenetic location: 6p24.3.
Variant type: single nucleotide variant.
Coding change: c.687T>C on transcript NM_001491.3 (MANE Plus Clinical); coding-DNA position 687, T replaced by C.
Protein change: p.Tyr229=; no amino-acid change (tyrosine 229 retained).
Molecular consequence: synonymous variant. On other transcripts: intron variant (2).
Genome position (GRCh38, 1-based): chr6:10,557,110, T>C. VCF-style: chr6-10557110-T-C. GRCh37 (hg19) VCF-style: chr6-10557343-T-C.
Other names: c.925+27274T>C (NM_145649.5, NM_001374747.1).
Identifiers: ClinVar variation 354707 (VCV000354707.15), dbSNP rs35318346, ClinGen allele CA3632057.
Genomic context (GRCh38, chr6:10,557,110, plus strand): 5'-AGGTAAAAATATCACCCCAGGGGTGCTGCCCCCAGCTCATGCAATTGGACGGACTAAATA[T>C]GTCCACCAAGAGCACCTGGGCAAAGAGCTTTCCTATGTGATAAGAACAACAGCGTTGAAA-3'
Protein context (NP_001482.1, residues 219-239): PPAHAIGRTK[Tyr229=]VHQEHLGKEL

ClinVar aggregate classification (germline): Benign. Review status: criteria provided, multiple submitters, no conflicts (2 of 4 stars). 3 submissions from 3 submitters: Benign (3). Last evaluated 2025-12-26.

Conditions:
Cataract 13 with adult I phenotype. Identifiers: Orphanet 91492, MedGen C3805373, MONDO:0007289, OMIM 116700.
Blood group, I system (Ii). Identifiers: MedGen C0020717, OMIM 110800.

Allele frequency attached by ClinVar (database versions not stated): gnomAD exomes 0.00190; ExAC 0.00195; 1000 Genomes Project 30x 0.00547; 1000 Genomes Project 0.00559; gnomAD 0.00618 and 0.00670; TOPMed 0.00733; ESP Exome Variant Server 0.00800.
gnomAD v4.1: 1,853 of 1,564,624 alleles (0.12%); highest among the groups gnomAD compares: African/African-American, 2.2%; 24 homozygotes.

Submissions (3):

Labcorp Genetics (formerly Invitae), Labcorp
Classification: Benign for Cataract 13 with adult I phenotype. Last evaluated: 2025-12-26. Review status: criteria provided, single submitter. Criteria: Invitae Variant Classification Sherloc (09022015). Collection method: clinical testing. Allele origin: germline.

GeneDx
Classification: Benign. Last evaluated: 2021-07-27. Review status: criteria provided, single submitter. Criteria: GeneDx Variant Classification Process June 2021. Collection method: clinical testing. Allele origin: germline. Affected: yes.

Illumina Laboratory Services, Illumina
Classification: Benign for Blood group, I system. Last evaluated: 2018-01-13. Review status: criteria provided, single submitter. Criteria: ICSL Variant Classification Criteria 13 December 2019. Collection method: clinical testing. Allele origin: germline.
Comment: This variant was observed in the ICSL laboratory as part of a predisposition screen in an ostensibly healthy population. It had not been previously curated by ICSL or reported in the Human Gene Mutation Database (HGMD: prior to June 1st, 2018), and was therefore a candidate for classification through an automated scoring system. Utilizing variant allele frequency, disease prevalence and penetrance estimates, and inheritance mode, an automated score was calculated to assess if this variant is too frequent to cause the disease. Based on the score and internal cut-off values, a variant classified as benign is not then subjected to further curation. The score for this variant resulted in a classification of benign for this disease.